The following is an entry in ClinVar:

NM_014633.5(CTR9):c.3108C>G (p.Asn1036Lys)

Gene: CTR9 (CTR9 component of Paf1/RNA polymerase II complex; plus strand). Cytogenetic location: 11p15.4.
Variant type: single nucleotide variant.
Coding change: c.3108C>G on transcript NM_014633.5 (MANE Select); coding-DNA position 3108, C replaced by G.
Protein change: p.Asn1036Lys; replaces asparagine 1036 with lysine.
Molecular consequence: missense variant.
Genome position (GRCh38, 1-based): chr11:10,778,691, C>G. VCF-style: chr11-10778691-C-G. GRCh37 (hg19) VCF-style: chr11-10800238-C-G.
Other names: c.3036C>G, p.Asn1012Lys (NM_001346279.2); short protein forms N1012K, N1036K.
Identifiers: ClinVar variation 4082784 (VCV004082784.1).
Genomic context (GRCh38, chr11:10,778,691, plus strand): 5'-CCAGTTAGCCAGAATCCTCAGCTTCTAACCAATGATCATCTTTGCCAGACATCCCAGGAA[C>G]AGCAACAGCAACAGTGACTCAGACGAGGACGAACAACGAAAGAAATGTGCCTCATCAGAG-3'
Protein context (NP_055448.1, residues 1026-1046): LKIADEGHPR[Asn1036Lys]SNSNSDSDED

ClinVar aggregate classification (germline): Uncertain significance (1 of 4 stars; one submission).

Submission:

GeneDx
Classification: Uncertain significance. Last evaluated: 2025-03-05. Review status: criteria provided, single submitter. Criteria: GeneDx Variant Classification Process June 2021. Collection method: clinical testing. Allele origin: germline. Affected: yes.
Comment: Not observed at significant frequency in large population cohorts (gnomAD); In silico analysis indicates that this missense variant does not alter protein structure/function; Has not been previously published as pathogenic or benign to our knowledge